The following is an entry in ClinVar:

ClinVar aggregate classification (germline): Uncertain significance (1 of 4 stars; one submission).

Submission:

Ambry Genetics
Classification: Uncertain significance. Last evaluated: 2025-11-10. Review status: criteria provided, single submitter. Criteria: Ambry Variant Classification Scheme 2023. Collection method: clinical testing. Allele origin: germline.
Comment: The p.Q62R variant (also known as c.185A>G), located in coding exon 3 of the FAM175A gene, results from an A to G substitution at nucleotide position 185. The glutamine at codon 62 is replaced by arginine, an amino acid with highly similar properties. This amino acid position is conserved. In addition, the in silico prediction for this alteration is inconclusive. Based on the available evidence, the clinical significance of this variant remains unclear.

NM_139076.3(ABRAXAS1):c.185A>G (p.Gln62Arg)

Gene: ABRAXAS1 (abraxas 1, BRCA1 A complex subunit; minus strand). Cytogenetic location: 4q21.23.
Variant type: single nucleotide variant.
Coding change: c.185A>G on transcript NM_139076.3 (MANE Select); coding-DNA position 185, A replaced by G.
Protein change: p.Gln62Arg; replaces glutamine 62 with arginine.
Molecular consequence: missense variant. On other transcripts: 5 prime UTR variant (1).
Genome position (GRCh38, 1-based): chr4:83,476,673, T>C on the plus strand (A>G on the coding strand, the complement: ABRAXAS1 is on the minus strand). VCF-style: chr4-83476673-T-C. GRCh37 (hg19) VCF-style: chr4-84397826-T-C.
Other names: c.-76A>G (NM_001345962.2); short protein forms Q62R.
Identifiers: ClinVar variation 4636473 (VCV004636473.1).